The following is an entry in ClinVar:

ClinVar aggregate classification (germline): Conflicting classifications of pathogenicity. Review status: criteria provided, conflicting classifications (1 of 4 stars). 3 submissions from 3 submitters: Uncertain significance (1); Likely benign (2). Last evaluated 2025-12-03.

Conditions:
Familial thoracic aortic aneurysm and aortic dissection (TAAD). Also called: Thoracic aortic aneurysms and dissections. Identifiers: Orphanet 91387, MedGen C4707243, MONDO:0019625.
Aortic aneurysm, familial thoracic 7 (AAT7). Also called: AORTIC DISSECTION, FAMILIAL, WITH OR WITHOUT AORTIC ANEURYSM. Identifiers: MedGen C3151077, MONDO:0013418, OMIM 613780.

Allele frequency attached by ClinVar (database versions not stated): gnomAD exomes 0.00002 and 0.00008; ExAC 0.00008; TOPMed 0.00019; ESP Exome Variant Server 0.00023; gnomAD 0.00027 and 0.00030; 1000 Genomes Project 0.00040; 1000 Genomes Project 30x 0.00047.
gnomAD v4.1: 74 of 1,614,086 alleles (0.0046%); highest among the groups gnomAD compares: African/African-American, 0.084%; no homozygotes.

Submissions (3):

Ambry Genetics
Classification: Uncertain significance for Familial thoracic aortic aneurysm and aortic dissection. Last evaluated: 2025-12-03. Review status: criteria provided, single submitter. Criteria: Ambry Variant Classification Scheme 2023. Collection method: clinical testing. Allele origin: germline.
Comment: The p.S239L variant (also known as c.716C>T), located in coding exon 5 of the MYLK gene, results from a C to T substitution at nucleotide position 716. The serine at codon 239 is replaced by leucine, an amino acid with dissimilar properties. This amino acid position is well conserved in available vertebrate species. In addition, this alteration is predicted to be tolerated by in silico analysis. Based on the available evidence, the clinical significance of this variant remains unclear.

Labcorp Genetics (formerly Invitae), Labcorp
Classification: Likely benign for Aortic aneurysm, familial thoracic 7. Last evaluated: 2025-11-01. Review status: criteria provided, single submitter. Criteria: Invitae Variant Classification Sherloc (09022015). Collection method: clinical testing. Allele origin: germline.

GeneDx
Classification: Likely benign. Last evaluated: 2019-10-02. Review status: criteria provided, single submitter. Criteria: GeneDx Variant Classification Process June 2021. Collection method: clinical testing. Allele origin: germline. Affected: yes.

NM_053025.4(MYLK):c.716C>T (p.Ser239Leu)

Gene: MYLK (myosin light chain kinase; minus strand). Cytogenetic location: 3q21.1.
Variant type: single nucleotide variant.
Coding change: c.716C>T on transcript NM_053025.4 (MANE Select); coding-DNA position 716, C replaced by T.
Protein change: p.Ser239Leu; replaces serine 239 with leucine.
Molecular consequence: missense variant.
Genome position (GRCh38, 1-based): chr3:123,737,416, G>A on the plus strand (C>T on the coding strand, the complement: MYLK is on the minus strand). VCF-style: chr3-123737416-G-A. GRCh37 (hg19) VCF-style: chr3-123456263-G-A.
Other names: c.188C>T, p.Ser63Leu (NM_001321309.2); c.716C>T, p.Ser239Leu (NM_053026.4, NM_053027.4, NM_053028.4); short protein forms S239L, S63L.
Identifiers: ClinVar variation 539107 (VCV000539107.18), dbSNP rs137982786, ClinGen allele CA073488.